The following is an entry in ClinVar:

NM_000548.5(TSC2):c.4007C>G (p.Ser1336Trp)

Gene: TSC2 (TSC complex subunit 2; plus strand). Cytogenetic location: 16p13.3.
Variant type: single nucleotide variant.
Coding change: c.4007C>G on transcript NM_000548.5 (MANE Select); coding-DNA position 4007, C replaced by G.
Protein change: p.Ser1336Trp; replaces serine 1336 with tryptophan.
Molecular consequence: missense variant.
Genome position (GRCh38, 1-based): chr16:2,084,229, C>G. VCF-style: chr16-2084229-C-G. GRCh37 (hg19) VCF-style: chr16-2134230-C-G.
Other names: c.3806C>G, p.Ser1269Trp (NM_001077183.3); c.3938C>G, p.Ser1313Trp (NM_001114382.3); c.3698C>G, p.Ser1233Trp (NM_001318827.2); c.3662C>G, p.Ser1221Trp (NM_001318829.2); c.3275C>G, p.Ser1092Trp (NM_001318831.2); c.3839C>G, p.Ser1280Trp (NM_001318832.2); c.3809C>G, p.Ser1270Trp (NM_001363528.2); c.3875C>G, p.Ser1292Trp (NM_001370404.1); and 1 more; short protein forms S1270W, S1280W, S1313W, S1336W, S1292W, S1293W, S1092W, S1221W.
Identifiers: ClinVar variation 938643 (VCV000938643.14), dbSNP rs148527903, ClinGen allele CA394299127.
Genomic context (GRCh38, chr16:2,084,229, plus strand): 5'-CCCAGGTGGGCTCGAGGGTGCCTGCTGACAGGGGTTCTCTTTGGGATGGTCCTTTCTAGT[C>G]GTCCTCAGTCTCCAGCCAGGAGGAGAAGTCGCTCCACGCGGAGGAGCTGGTTGGCAGGGG-3'
Protein context (NP_000539.2, residues 1326-1346): MDRRTDAYSR[Ser1336Trp]SSVSSQEEKS

ClinVar aggregate classification (germline): Conflicting classifications of pathogenicity. Review status: criteria provided, conflicting classifications (1 of 4 stars). 3 submissions from 3 submitters: Uncertain significance (2); Likely benign (1). Last evaluated 2025-10-13.

Conditions:
Isolated focal cortical dysplasia type II (FCORD2). Also called: Focal cortical dysplasia type II; CORTICAL DYSPLASIA OF TAYLOR. Identifiers: Orphanet 268994, MedGen C1846385, MONDO:0011818, OMIM 607341, HP:0032051.
Tuberous sclerosis 2 (TSC2). Identifiers: Orphanet 805, MedGen C1860707, MONDO:0013199, OMIM 613254.
Hereditary cancer-predisposing syndrome. Also called: Tumor predisposition; Hereditary neoplastic syndrome; Neoplastic Syndromes, Hereditary; Hereditary Cancer Syndrome. Identifiers: Orphanet 140162, MedGen C0027672, MeSH D009386, MONDO:0015356.

gnomAD v4.1: 5 of 1,584,628 alleles (0.00032%); highest among the groups gnomAD compares: Admixed American, 0.0018%; no homozygotes.

Submissions (3):

Labcorp Genetics (formerly Invitae), Labcorp
Classification: Likely benign for Tuberous sclerosis 2. Last evaluated: 2025-10-13. Review status: criteria provided, single submitter. Criteria: Invitae Variant Classification Sherloc (09022015). Collection method: clinical testing. Allele origin: germline.

Ambry Genetics
Classification: Uncertain significance for Hereditary cancer-predisposing syndrome. Last evaluated: 2024-12-18. Review status: criteria provided, single submitter. Criteria: Ambry Variant Classification Scheme 2023. Collection method: clinical testing. Allele origin: germline.
Comment: The p.S1336W variant (also known as c.4007C>G), located in coding exon 33 of the TSC2 gene, results from a C to G substitution at nucleotide position 4007. The serine at codon 1336 is replaced by tryptophan, an amino acid with highly dissimilar properties. This amino acid position is highly conserved in available vertebrate species. In addition, this alteration is predicted to be deleterious by in silico analysis. Since supporting evidence is limited at this time, the clinical significance of this alteration remains unclear.

Baylor Genetics
Classification: Uncertain significance for Isolated focal cortical dysplasia type II. Last evaluated: 2023-09-15. Review status: criteria provided, single submitter. Criteria: ACMG Guidelines, 2015. Collection method: clinical testing. Allele origin: unknown.